The following is an entry in ClinVar:

NM_002661.5(PLCG2):c.61G>T (p.Ala21Ser)

Gene: PLCG2 (phospholipase C gamma 2; plus strand). Cytogenetic location: 16q23.3.
Variant type: single nucleotide variant.
Coding change: c.61G>T on transcript NM_002661.5 (MANE Select); coding-DNA position 61, G replaced by T.
Protein change: p.Ala21Ser; replaces alanine 21 with serine.
Molecular consequence: missense variant.
Genome position (GRCh38, 1-based): chr16:81,786,050, G>T. VCF-style: chr16-81786050-G-T. GRCh37 (hg19) VCF-style: chr16-81819655-G-T.
Other names: short protein forms A21S.
Identifiers: ClinVar variation 1520957 (VCV001520957.8), dbSNP rs1248111391, ClinGen allele CA396895389.
Genomic context (GRCh38, chr16:81,786,050, plus strand): 5'-ATGTCCACCACGGTCAATGTAGATTCCCTTGCGGAATATGAGAAGAGCCAGATCAAGAGA[G>T]CCCTGGAGCTGGGGACGGTGATGACTGTGTTCAGCTTCCGCAAGTCCACCCCCGAGCGGA-3'
Protein context (NP_002652.2, residues 11-31): AEYEKSQIKR[Ala21Ser]LELGTVMTVF

ClinVar aggregate classification (germline): Uncertain significance (1 of 4 stars; one submission).

Conditions:
Familial cold autoinflammatory syndrome 3 (FCAS3). Also called: ANTIBODY DEFICIENCY AND IMMUNE DYSREGULATION, PLCG2-ASSOCIATED; FAMILIAL ATYPICAL COLD URTICARIA. Identifiers: Orphanet 300359, MedGen C3280914, MONDO:0013766, OMIM 614468.

Allele frequency attached by ClinVar (database versions not stated): TOPMed 0.00001; gnomAD 0.00003.
gnomAD v4.1: 9 of 1,614,114 alleles (0.00056%); highest among the groups gnomAD compares: African/African-American, 0.0067%; no homozygotes.

Submission:

Labcorp Genetics (formerly Invitae), Labcorp
Classification: Uncertain significance for Familial cold autoinflammatory syndrome 3. Last evaluated: 2023-08-10. Review status: criteria provided, single submitter. Criteria: Invitae Variant Classification Sherloc (09022015). Collection method: clinical testing. Allele origin: germline.
Comment: In summary, the available evidence is currently insufficient to determine the role of this variant in disease. Therefore, it has been classified as a Variant of Uncertain Significance. An algorithm developed to predict the effect of missense changes on protein structure and function (PolyPhen-2) suggests that this variant is likely to be tolerated. ClinVar contains an entry for this variant (Variation ID: 1520957). This variant has not been reported in the literature in individuals affected with PLCG2-related conditions. This variant is not present in population databases (gnomAD no frequency). This sequence change replaces alanine, which is neutral and non-polar, with serine, which is neutral and polar, at codon 21 of the PLCG2 protein (p.Ala21Ser).